The following is an entry in ClinVar:

ClinVar aggregate classification (germline): Pathogenic. Review status: criteria provided, multiple submitters, no conflicts (2 of 4 stars). 5 submissions from 5 submitters: Pathogenic (3). 2 of the submissions do not count toward it. Last evaluated 2024-07-18.

Conditions:
Walker-Warburg congenital muscular dystrophy. Also called: Muscular dystrophy-dystroglycanopathy, type A; Walker-Warburg syndrome. Identifiers: Orphanet 899, MedGen C0265221, MONDO:0000171.
Autosomal recessive limb-girdle muscular dystrophy. Identifiers: Orphanet 102015, MedGen C2931907, MONDO:0015152.
Autosomal recessive limb-girdle muscular dystrophy type 2I. Also called: MUSCULAR DYSTROPHY-DYSTROGLYCANOPATHY, LIMB-GIRDLE, FRKP-RELATED; MUSCULAR DYSTROPHY, LIMB-GIRDLE, TYPE 2I; MUSCULAR DYSTROPHY-DYSTROGLYCANOPATHY (LIMB-GIRDLE), TYPE C, 5. Identifiers: Orphanet 34515, MedGen C1846672, MONDO:0011787, OMIM 607155.

Allele frequency attached by ClinVar (database versions not stated): gnomAD exomes below 0.00001.

Submissions (5):

Women's Health and Genetics/Laboratory Corporation of America, LabCorp
Classification: Pathogenic for Autosomal recessive limb-girdle muscular dystrophy. Last evaluated: 2024-07-18. Review status: criteria provided, single submitter. Criteria: LabCorp Variant Classification Summary - May 2015. Collection method: clinical testing. Allele origin: germline.
Comment: Variant summary: FKRP c.160C>T (p.Arg54Trp) results in a non-conservative amino acid change in the encoded protein sequence. Five of five in-silico tools predict a damaging effect of the variant on protein function. The frequency data for this variant in gnomAD is considered unreliable, as metrics indicate poor data quality at this position. c.160C>T has been reported in the literature in multiple individuals affected with Limb-Girdle Muscular Dystrophy, Autosomal Recessive (example: Harel_2004). These data indicate that the variant is very likely to be associated with disease. The following publication has been ascertained in the context of this evaluation (PMID: 14523375). ClinVar contains an entry for this variant (Variation ID: 4228). Based on the evidence outlined above, the variant was classified as pathogenic.

Labcorp Genetics (formerly Invitae), Labcorp
Classification: Pathogenic for Walker-Warburg congenital muscular dystrophy. Last evaluated: 2023-12-05. Review status: criteria provided, single submitter. Criteria: Invitae Variant Classification Sherloc (09022015). Collection method: clinical testing. Allele origin: germline.
Comment: This sequence change replaces arginine, which is basic and polar, with tryptophan, which is neutral and slightly polar, at codon 54 of the FKRP protein (p.Arg54Trp). This variant is not present in population databases (gnomAD no frequency). This missense change has been observed in individual(s) with limb-girdle muscular dystrophy (PMID: 14523375, 30003095). It has also been observed to segregate with disease in related individuals. ClinVar contains an entry for this variant (Variation ID: 4228). Advanced modeling of protein sequence and biophysical properties (such as structural, functional, and spatial information, amino acid conservation, physicochemical variation, residue mobility, and thermodynamic stability) performed at Invitae indicates that this missense variant is expected to disrupt FKRP protein function with a positive predictive value of 80%. For these reasons, this variant has been classified as Pathogenic.

3billion
Classification: Pathogenic for Autosomal recessive limb-girdle muscular dystrophy type 2I. Last evaluated: 2023-02-23. Review status: criteria provided, single submitter. Criteria: ACMG Guidelines, 2015. Collection method: clinical testing. Allele origin: unknown. Affected: yes.
Comment: The variant is not observed in the gnomAD v2.1.1 dataset. The variant is located in a mutational hot spot and/or well-established functional domain in which established pathogenic variants have been reported. In silico tool predictions suggest damaging effect of the variant on gene or gene product (REVEL: 0.91; 3Cnet: 0.58). Same nucleotide change resulting in same amino acid change has been previously reported as pathogenic/likely pathogenic with strong evidence (ClinVar ID: VCV000004228 / PMID: 14523375). Different missense changes at the same codon (p.Arg54Gln, p.Arg54Gly) have been reported to be associated with FKRP related disorder (ClinVar ID: VCV001524557 / PMID: 27439679, 33200426). Therefore, this variant is classified as Pathogenic according to the recommendation of ACMG/AMP guideline.

Counsyl
Classification: Likely pathogenic for Autosomal recessive limb-girdle muscular dystrophy type 2I. Last evaluated: 2018-05-30. Review status: no assertion criteria provided. Collection method: clinical testing. Allele origin: unknown. Not counted in ClinVar's aggregate classification.

OMIM
Classification: Pathogenic for MUSCULAR DYSTROPHY-DYSTROGLYCANOPATHY (LIMB-GIRDLE), TYPE C, 5. Last evaluated: 2004-01-01. Review status: no assertion criteria provided. Collection method: literature only. Allele origin: germline. Not counted in ClinVar's aggregate classification.

Literature cited by the submitters: PubMed 14523375 (cited by 5 submitters); PubMed 30003095 (cited by Labcorp Genetics (formerly Invitae), Labcorp); PubMed 33200426 (cited by 3billion); PubMed 27439679 (cited by 3billion).

NM_024301.5(FKRP):c.160C>T (p.Arg54Trp)

Gene: FKRP (fukutin related protein; plus strand). Cytogenetic location: 19q13.32.
Variant type: single nucleotide variant.
Coding change: c.160C>T on transcript NM_024301.5 (MANE Select); coding-DNA position 160, C replaced by T.
Protein change: p.Arg54Trp; replaces arginine 54 with tryptophan.
Molecular consequence: missense variant.
Genome position (GRCh38, 1-based): chr19:46,755,610, C>T. VCF-style: chr19-46755610-C-T. GRCh37 (hg19) VCF-style: chr19-47258867-C-T.
Other names: c.160C>T, p.Arg54Trp (NM_001039885.3); short protein forms R54W.
Identifiers: ClinVar variation 4228 (VCV000004228.7), dbSNP rs28937905, ClinGen allele CA116714.